The following is an entry in ClinVar:

NM_002047.4(GARS1):c.155G>A (p.Arg52Gln)

Gene: GARS1 (glycyl-tRNA synthetase 1; plus strand). Cytogenetic location: 7p14.3.
Variant type: single nucleotide variant.
Coding change: c.155G>A on transcript NM_002047.4 (MANE Select); coding-DNA position 155, G replaced by A.
Protein change: p.Arg52Gln; replaces arginine 52 with glutamine.
Molecular consequence: missense variant. On other transcripts: 5 prime UTR variant (1).
Genome position (GRCh38, 1-based): chr7:30,595,076, G>A. VCF-style: chr7-30595076-G-A. GRCh37 (hg19) VCF-style: chr7-30634692-G-A.
Other names: c.-8G>A (NM_001316772.1); short protein forms R52Q.
Identifiers: ClinVar variation 1678563 (VCV001678563.2), dbSNP rs755504496, ClinGen allele CA4205599.
Genomic context (GRCh38, chr7:30,595,076, plus strand): 5'-TCCGCCGGTCCCTCAGCGCGGCCTCCTGCCCCCCGATCTCCTTGCCCGCCGCCGCCTCCC[G>A]GAGCAGCATGGACGGCGCGGGGGCTGAGGAGGTGCTGGCACCTCTGAGGCTAGCAGTGCG-3'
Protein context (NP_002038.2, residues 42-62): PPISLPAAAS[Arg52Gln]SSMDGAGAEE

ClinVar aggregate classification (germline): Uncertain significance (1 of 4 stars; one submission).

Conditions:
Charcot-Marie-Tooth disease type 2D (CMT2D). Also called: CHARCOT-MARIE-TOOTH DISEASE, NEURONAL, TYPE 2D; Charcot-Marie-Tooth Neuropathy Type 2D; CHARCOT-MARIE-TOOTH DISEASE, AXONAL, TYPE 2D; GARS1 Adolescent- or Early Adult-Onset Hereditary Motor/Sensory Neuropathy (GARS1-HMSN). Identifiers: Orphanet 99938, MedGen C1832274, MONDO:0011091, OMIM 601472.

Allele frequency attached by ClinVar (database versions not stated): TOPMed below 0.00001; gnomAD exomes 0.00001 and 0.00004.
gnomAD v4.1: 10 of 1,547,718 alleles (0.00065%); highest among the groups gnomAD compares: South Asian, 0.011%; no homozygotes.

Submission:

Molecular Genetics, Royal Melbourne Hospital
Classification: Uncertain significance for Charcot-Marie-Tooth disease type 2D. Last evaluated: 2023-03-30. Review status: criteria provided, single submitter. Criteria: ACMG Guidelines, 2015. Collection method: clinical testing. Allele origin: germline. Affected: yes.
Comment: This sequence change is predicted to replace arginine with glutamine at codon 52 of the GARS1 protein (p.(Arg52Gln)). The arginine residue is not conserved (100 vertebrates, UCSC), and is not located in a known functional domain. There is a small physicochemical difference between arginine and glutamine. The variant is present in a large population cohort at a frequency of 0.004% (rs755504496, 6/150,088 alleles, 0 homozygotes in gnomAD v2.1.1), and has not been reported previously in the relevant medical literature or databases. Multiple lines of computational evidence predict a benign effect for the missense substitution (6/6 algorithms). Based on the classification scheme RMH Modified ACMG Guidelines v1.3.1, this variant is classified as a VARIANT OF UUNCERTAIN SIGNIFICANCE. Following criteria are met: BP4.